The following is an entry in ClinVar:

NM_002948.5(RPL15):c.506G>A (p.Arg169Gln)

Genes: NKIRAS1 (NFKB inhibitor interacting Ras like 1; minus strand), RPL15 (ribosomal protein L15; plus strand). Cytogenetic location: 3p24.2.
Variant type: single nucleotide variant.
Coding change: c.506G>A on transcript NM_002948.5 (MANE Select); coding-DNA position 506, G replaced by A.
Protein change: p.Arg169Gln; replaces arginine 169 with glutamine.
Molecular consequence: missense variant. On other transcripts: intron variant (2).
Genome position (GRCh38, 1-based): chr3:23,919,392, G>A. VCF-style: chr3-23919392-G-A. GRCh37 (hg19) VCF-style: chr3-23960883-G-A.
Other names: c.506G>A, p.Arg169Gln (NM_001253379.2, NM_001253380.2, NM_001253382.2 and 1 more transcripts); c.-139-7942C>T (NM_001377380.1); c.360+146G>A (NM_001253384.2); short protein forms R169Q.
Identifiers: ClinVar variation 3625824 (VCV003625824.3).

ClinVar aggregate classification (germline): Uncertain significance. Review status: criteria provided, multiple submitters, no conflicts (2 of 4 stars). 2 submissions from 2 submitters: Uncertain significance (2). Last evaluated 2025-08-28.

gnomAD v4.1: 8 of 1,602,968 alleles (0.0005%); highest among the groups gnomAD compares: East Asian, 0.0022%; no homozygotes.

Submissions (2):

Ambry Genetics
Classification: Uncertain significance. Last evaluated: 2025-08-28. Review status: criteria provided, single submitter. Criteria: Ambry Variant Classification Scheme 2023. Collection method: clinical testing. Allele origin: germline.

Labcorp Genetics (formerly Invitae), Labcorp
Classification: Uncertain significance. Last evaluated: 2024-05-08. Review status: criteria provided, single submitter. Criteria: Invitae Variant Classification Sherloc (09022015). Collection method: clinical testing. Allele origin: germline.
Comment: This sequence change replaces arginine, which is basic and polar, with glutamine, which is neutral and polar, at codon 169 of the RPL15 protein (p.Arg169Gln). The frequency data for this variant in the population databases is considered unreliable, as metrics indicate poor data quality at this position in the gnomAD database. This variant has not been reported in the literature in individuals affected with RPL15-related conditions. An algorithm developed to predict the effect of missense changes on protein structure and function (PolyPhen-2) suggests that this variant is likely to be tolerated. In summary, the available evidence is currently insufficient to determine the role of this variant in disease. Therefore, it has been classified as a Variant of Uncertain Significance.